The following is an entry in ClinVar:

ClinVar aggregate classification (germline): Uncertain significance (1 of 4 stars; one submission).

Conditions:
Neurofibromatosis, type 1 (NF1). Also called: VON RECKLINGHAUSEN DISEASE; NEUROFIBROMATOSIS, TYPE I, SOMATIC; Peripheral type neurofibromatosis; Neurofibromatosis, type I. Identifiers: Orphanet 636, MedGen C0027831, MONDO:0018975, OMIM 162200. Disease mechanism: loss of function.

Allele frequency attached by ClinVar (database versions not stated): gnomAD exomes below 0.00001.
gnomAD v4.1: 1 of 1,614,088 alleles (0.000062%); highest among the groups gnomAD compares: South Asian, 0.0011%; no homozygotes.

Submission:

Labcorp Genetics (formerly Invitae), Labcorp
Classification: Uncertain significance for Neurofibromatosis, type 1. Last evaluated: 2021-07-17. Review status: criteria provided, single submitter. Criteria: Invitae Variant Classification Sherloc (09022015). Collection method: clinical testing. Allele origin: germline.
Comment: In summary, the available evidence is currently insufficient to determine the role of this variant in disease. Therefore, it has been classified as a Variant of Uncertain Significance. Advanced modeling of protein sequence and biophysical properties (such as structural, functional, and spatial information, amino acid conservation, physicochemical variation, residue mobility, and thermodynamic stability) performed at Invitae indicates that this missense variant is not expected to disrupt NF1 protein function. This variant has not been reported in the literature in individuals with NF1-related conditions. This variant is not present in population databases (ExAC no frequency). This sequence change replaces histidine with tyrosine at codon 393 of the NF1 protein (p.His393Tyr). The histidine residue is highly conserved and there is a moderate physicochemical difference between histidine and tyrosine.

NM_001042492.3(NF1):c.1177C>T (p.His393Tyr)

Gene: NF1 (neurofibromin 1; plus strand). Cytogenetic location: 17q11.2.
Variant type: single nucleotide variant.
Coding change: c.1177C>T on transcript NM_001042492.3 (MANE Select); coding-DNA position 1177, C replaced by T.
Protein change: p.His393Tyr; replaces histidine 393 with tyrosine.
Molecular consequence: missense variant.
Genome position (GRCh38, 1-based): chr17:31,201,151, C>T. VCF-style: chr17-31201151-C-T. GRCh37 (hg19) VCF-style: chr17-29528169-C-T.
Other names: c.1177C>T, p.His393Tyr (NM_000267.4, NM_001128147.3); short protein forms H393Y.
Identifiers: ClinVar variation 1497379 (VCV001497379.8), dbSNP rs199474768, ClinGen allele CA398997310.
Genomic context (GRCh38, chr17:31,201,151, plus strand): 5'-GTGGATCTAATGATTGACTGCCTTGTTTCTTGCTTTCGTATAAGCCCTCACAACAACCAA[C>T]ACTTTAAGGTGAGAGCATTGGTTTTTATCTAACTATATTTACTGATGCTGTTATCCTTTA-3'
Protein context (NP_001035957.1, residues 383-403): CFRISPHNNQ[His393Tyr]FKICLAQNSP